The following is an entry in ClinVar:

NM_000238.4(KCNH2):c.198C>G (p.Cys66Trp)

Gene: KCNH2 (potassium voltage-gated channel subfamily H member 2; minus strand). Cytogenetic location: 7q36.1.
Variant type: single nucleotide variant.
Coding change: c.198C>G on transcript NM_000238.4 (MANE Select); coding-DNA position 198, C replaced by G.
Protein change: p.Cys66Trp; replaces cysteine 66 with tryptophan.
Molecular consequence: missense variant. On other transcripts: non-coding transcript variant (1).
Genome position (GRCh38, 1-based): chr7:150,974,820, G>C on the plus strand (C>G on the coding strand, the complement: KCNH2 is on the minus strand). VCF-style: chr7-150974820-G-C. GRCh37 (hg19) VCF-style: chr7-150671908-G-C.
Other names: c.21C>G, p.Cys7Trp (NM_001406755.1); c.198C>G, p.Cys66Trp (NM_172056.3); short protein forms C66W, C7W.
Identifiers: ClinVar variation 3723055 (VCV003723055.2).

ClinVar aggregate classification (germline): Uncertain significance (1 of 4 stars; one submission).

Conditions:
Long QT syndrome (LQTS). Identifiers: MedGen C0023976, MeSH D008133, MONDO:0002442. Disease mechanism: loss of function. Inheritance: Various modes of inheritance.

Submission:

Labcorp Genetics (formerly Invitae), Labcorp
Classification: Uncertain significance for Long QT syndrome. Last evaluated: 2024-12-12. Review status: criteria provided, single submitter. Criteria: Invitae Variant Classification Sherloc (09022015). Collection method: clinical testing. Allele origin: germline.
Comment: This sequence change replaces cysteine, which is neutral and slightly polar, with tryptophan, which is neutral and slightly polar, at codon 66 of the KCNH2 protein (p.Cys66Trp). This variant is not present in population databases (gnomAD no frequency). This missense change has been observed in individual(s) with long QT syndrome (internal data). An algorithm developed to predict the effect of missense changes on protein structure and function (PolyPhen-2) suggests that this variant is likely to be disruptive. This variant disrupts the p.Cys66 amino acid residue in KCNH2. Other variant(s) that disrupt this residue have been determined to be pathogenic (PMID: 10187793, 10973849, 11854117, 23303164, 25417810). This suggests that this residue is clinically significant, and that variants that disrupt this residue are likely to be disease-causing. In summary, the available evidence is currently insufficient to determine the role of this variant in disease. Therefore, it has been classified as a Variant of Uncertain Significance.

Literature cited by the submitters: PubMed 10187793; PubMed 10973849; PubMed 11854117; PubMed 23303164; PubMed 25417810.